The following is an entry in ClinVar:

NM_001101426.4(CRPPA):c.*2148T>C

Gene: CRPPA (CDP-L-ribitol pyrophosphorylase A; minus strand). Cytogenetic location: 7p21.2.
Variant type: single nucleotide variant.
Coding change: c.*2148T>C on transcript NM_001101426.4 (MANE Select); 2148 bases downstream of the stop codon, T replaced by C.
Molecular consequence: 3 prime UTR variant. On other transcripts: non-coding transcript variant (1).
Genome position (GRCh38, 1-based): chr7:16,089,547, A>G on the plus strand (T>C on the coding strand, the complement: CRPPA is on the minus strand). VCF-style: chr7-16089547-A-G. GRCh37 (hg19) VCF-style: chr7-16129172-A-G.
Other names: c.*2148T>C (NM_001101417.4, NM_001368197.1).
Identifiers: ClinVar variation 359547 (VCV000359547.5), dbSNP rs9691136, ClinGen allele CA4169301.

ClinVar aggregate classification (germline): Benign (1 of 4 stars; one submission).

Conditions:
Congenital Muscular Dystrophy, alpha-dystroglycan related.

Allele frequency attached by ClinVar (database versions not stated): ExAC 0.99474; gnomAD 0.99613 and 0.99640; 1000 Genomes Project 0.99641; TOPMed 0.99644; gnomAD exomes 0.99866 and 0.99910.
gnomAD v4.1: 245,090 of 245,706 alleles (100%); highest among the groups gnomAD compares: Non-Finnish European, 100%; 122,241 homozygotes.

Submission:

Illumina Laboratory Services, Illumina
Classification: Benign for Congenital Muscular Dystrophy, alpha-dystroglycan related. Last evaluated: 2018-01-13. Review status: criteria provided, single submitter. Criteria: ICSL Variant Classification Criteria 13 December 2019. Collection method: clinical testing. Allele origin: germline.
Comment: This variant was observed in the ICSL laboratory as part of a predisposition screen in an ostensibly healthy population. It had not been previously curated by ICSL or reported in the Human Gene Mutation Database (HGMD: prior to June 1st, 2018), and was therefore a candidate for classification through an automated scoring system. Utilizing variant allele frequency, disease prevalence and penetrance estimates, and inheritance mode, an automated score was calculated to assess if this variant is too frequent to cause the disease. Based on the score and internal cut-off values, a variant classified as benign is not then subjected to further curation. The score for this variant resulted in a classification of benign for this disease.